The following is an entry in ClinVar:

ClinVar aggregate classification (germline): Uncertain significance (1 of 4 stars; one submission).

Submission:

Ambry Genetics
Classification: Uncertain significance. Last evaluated: 2023-11-27. Review status: criteria provided, single submitter. Criteria: Ambry Variant Classification Scheme 2023. Collection method: clinical testing. Allele origin: germline.
Comment: The p.L911S variant (also known as c.2732T>C), located in coding exon 16 of the POLQ gene, results from a T to C substitution at nucleotide position 2732. The leucine at codon 911 is replaced by serine, an amino acid with dissimilar properties. This amino acid position is conserved. In addition, this alteration is predicted to be tolerated by in silico analysis. Since supporting evidence is limited at this time, the clinical significance of this alteration remains unclear.

NM_199420.4(POLQ):c.2732T>C (p.Leu911Ser)

Gene: POLQ (DNA polymerase theta; minus strand). Cytogenetic location: 3q13.33.
Variant type: single nucleotide variant.
Coding change: c.2732T>C on transcript NM_199420.4 (MANE Select); coding-DNA position 2732, T replaced by C.
Protein change: p.Leu911Ser; replaces leucine 911 with serine.
Molecular consequence: missense variant.
Genome position (GRCh38, 1-based): chr3:121,490,199, A>G on the plus strand (T>C on the coding strand, the complement: POLQ is on the minus strand). VCF-style: chr3-121490199-A-G. GRCh37 (hg19) VCF-style: chr3-121209046-A-G.
Other names: short protein forms L911S.
Identifiers: ClinVar variation 3229894 (VCV003229894.1), dbSNP rs2546788327, ClinGen allele CA354104912.